The following is an entry in ClinVar:

ClinVar aggregate classification (germline): Uncertain significance. Review status: criteria provided, multiple submitters, no conflicts (2 of 4 stars). 2 submissions from 2 submitters: Uncertain significance (2). Last evaluated 2025-08-26.

Conditions:
Mitochondrial DNA depletion syndrome 1. Also called: Mitochondrial DNA depletion syndrome 1 (MNGIE type); Mitochondrial DNA Depletion Syndrome, MNGIE Form; Mitochondrial neurogastrointestinal encephalomyopathy syndrome; POLIP SYNDROME; POLYNEUROPATHY, OPHTHALMOPLEGIA, LEUKOENCEPHALOPATHY, AND INTESTINAL PSEUDOOBSTRUCTION; Mitochondrial Neurogastrointestinal Encephalopathy Disease. Identifiers: Orphanet 298, MedGen C4551995, MONDO:0011283, OMIM 603041.
Inborn genetic diseases. Identifiers: MedGen C0950123, MeSH D030342.

Allele frequency attached by ClinVar (database versions not stated): TOPMed below 0.00001.
gnomAD v4.1: 3 of 1,562,406 alleles (0.00019%); highest among the groups gnomAD compares: Admixed American, 0.0018%; no homozygotes.

Submissions (2):

Ambry Genetics
Classification: Uncertain significance for Inborn genetic diseases. Last evaluated: 2025-08-26. Review status: criteria provided, single submitter. Criteria: Ambry Variant Classification Scheme 2023. Collection method: clinical testing. Allele origin: germline.

Baylor Genetics
Classification: Uncertain significance for Mitochondrial DNA depletion syndrome 1. Last evaluated: 2020-03-06. Review status: criteria provided, single submitter. Criteria: ACMG Guidelines, 2015. Collection method: clinical testing. Allele origin: unknown. Affected: yes.
Comment: This variant was determined to be of uncertain significance according to ACMG Guidelines, 2015 [PMID:25741868].

NM_001953.5(TYMP):c.1081T>C (p.Cys361Arg)

Genes: SCO2 (synthesis of cytochrome C oxidase 2; minus strand), TYMP (thymidine phosphorylase; minus strand), LOC130067862 (ATAC-STARR-seq lymphoblastoid silent region 13986; plus strand). Cytogenetic location: 22q13.33.
Variant type: single nucleotide variant.
Coding change: c.1081T>C on transcript NM_001953.5 (MANE Select); coding-DNA position 1081, T replaced by C.
Protein change: p.Cys361Arg; replaces cysteine 361 with arginine.
Molecular consequence: missense variant. On other transcripts: 5 prime UTR variant (1).
Genome position (GRCh38, 1-based): chr22:50,526,324, A>G on the plus strand (T>C on the coding strand, the complement: TYMP is on the minus strand). VCF-style: chr22-50526324-A-G. GRCh37 (hg19) VCF-style: chr22-50964753-A-G.
Other names: c.1081T>C, p.Cys361Arg (NM_001113755.3, NM_001113756.3, NM_001257988.1 and 1 more transcripts); c.-92T>C (NM_001169109.2); short protein forms C361R.
Identifiers: ClinVar variation 1029552 (VCV001029552.4), dbSNP rs773643115, ClinGen allele CA412197632.
Genomic context (GRCh38, chr22:50,526,324, plus strand): 5'-GCTCCTCCTGCTCCCGGGCGCGAGGCAGCAGCTGCCGGCGTTCTGCGGGACTTCCCGAGC[A>G]CAGGGCTCGGGCCAGACCGGGATCCACGCCCTGCGCCGCCAGCATCCGCTCGAAGCGGCC-3'
Protein context (NP_001944.1, residues 351-371): GVDPGLARAL[Cys361Arg]SGSPAERRQL